The following is an entry in ClinVar:

ClinVar aggregate classification (germline): Uncertain significance (1 of 4 stars; one submission).

Conditions:
Neuronal ceroid lipofuscinosis. Also called: Neuronal Ceroid Lipofuscinoses. Identifiers: Orphanet 216, Orphanet 79263, MedGen C0027877, MONDO:0016295. Disease mechanism: loss of function.

gnomAD v4.1: 2 of 1,614,198 alleles (0.00012%); highest among the groups gnomAD compares: South Asian, 0.0022%; no homozygotes.

Submission:

Labcorp Genetics (formerly Invitae), Labcorp
Classification: Uncertain significance for Neuronal ceroid lipofuscinosis. Last evaluated: 2020-12-14. Review status: criteria provided, single submitter. Criteria: Invitae Variant Classification Sherloc (09022015). Collection method: clinical testing. Allele origin: germline.
Comment: In summary, the available evidence is currently insufficient to determine the role of this variant in disease. Therefore, it has been classified as a Variant of Uncertain Significance. This sequence change replaces asparagine with isoleucine at codon 259 of the CLN8 protein (p.Asn259Ile). The asparagine residue is moderately conserved and there is a large physicochemical difference between asparagine and isoleucine. This variant is present in population databases (rs201956727, ExAC 0.006%). This variant has not been reported in the literature in individuals with CLN8-related conditions. Algorithms developed to predict the effect of missense changes on protein structure and function are either unavailable or do not agree on the potential impact of this missense change (SIFT: "Deleterious"; PolyPhen-2: "Benign"; Align-GVGD: "Class C15").

NM_018941.4(CLN8):c.776A>T (p.Asn259Ile)

Gene: CLN8 (CLN8 transmembrane ER and ERGIC protein; plus strand). Cytogenetic location: 8p23.3.
Variant type: single nucleotide variant.
Coding change: c.776A>T on transcript NM_018941.4 (MANE Select); coding-DNA position 776, A replaced by T.
Protein change: p.Asn259Ile; replaces asparagine 259 with isoleucine.
Molecular consequence: missense variant.
Genome position (GRCh38, 1-based): chr8:1,780,482, A>T. VCF-style: chr8-1780482-A-T. GRCh37 (hg19) VCF-style: chr8-1728648-A-T.
Other names: short protein forms N259I.
Identifiers: ClinVar variation 960152 (VCV000960152.7), dbSNP rs201956727, ClinGen allele CA4599350.